The following is an entry in ClinVar:

NM_017757.3(ZNF407):c.5120A>G (p.Gln1707Arg)

Gene: ZNF407 (zinc finger protein 407; plus strand). Cytogenetic location: 18q22.3.
Variant type: single nucleotide variant.
Coding change: c.5120A>G on transcript NM_017757.3 (MANE Select); coding-DNA position 5120, A replaced by G.
Protein change: p.Gln1707Arg; replaces glutamine 1707 with arginine.
Molecular consequence: missense variant.
Genome position (GRCh38, 1-based): chr18:74,881,111, A>G. VCF-style: chr18-74881111-A-G. GRCh37 (hg19) VCF-style: chr18-72593067-A-G.
Other names: c.5120A>G, p.Gln1707Arg (NM_001146189.1, NM_001384475.1); short protein forms Q1707R.
Identifiers: ClinVar variation 3774125 (VCV003774125.1).

ClinVar aggregate classification (germline): Uncertain significance (1 of 4 stars; one submission).

Submission:

GeneDx
Classification: Uncertain significance. Last evaluated: 2024-09-18. Review status: criteria provided, single submitter. Criteria: GeneDx Variant Classification Process June 2021. Collection method: clinical testing. Allele origin: germline. Affected: yes.
Comment: Not observed at significant frequency in large population cohorts (gnomAD); In silico analysis indicates that this missense variant does not alter protein structure/function; Has not been previously published as pathogenic or benign to our knowledge